The following is an entry in ClinVar:

ClinVar aggregate classification (germline): Uncertain significance. Review status: criteria provided, multiple submitters, no conflicts (2 of 4 stars). 2 submissions from 2 submitters: Uncertain significance (2). Last evaluated 2025-06-08.

Conditions:
Inborn genetic diseases. Identifiers: MedGen C0950123, MeSH D030342.
Infantile-onset X-linked spinal muscular atrophy. Also called: Spinal Muscular Atrophy, X-Linked Infantile; AMC, DISTAL, X-LINKED; ARTHROGRYPOSIS, X-LINKED, TYPE I; Spinal muscular atrophy, X-linked 2; SPINAL MUSCULAR ATROPHY, X-LINKED LETHAL INFANTILE. Identifiers: Orphanet 1145, MedGen C1844934, MONDO:0010532, OMIM 301830.

Allele frequency attached by ClinVar (database versions not stated): ExAC 0.00001; gnomAD exomes 0.00002 and 0.00003; TOPMed 0.00002.

Submissions (2):

Ambry Genetics
Classification: Uncertain significance for Inborn genetic diseases. Last evaluated: 2025-06-08. Review status: criteria provided, single submitter. Criteria: Ambry Variant Classification Scheme 2023. Collection method: clinical testing. Allele origin: germline.

Labcorp Genetics (formerly Invitae), Labcorp
Classification: Uncertain significance for Infantile-onset X-linked spinal muscular atrophy. Last evaluated: 2024-02-23. Review status: criteria provided, single submitter. Criteria: Invitae Variant Classification Sherloc (09022015). Collection method: clinical testing. Allele origin: germline.
Comment: This sequence change replaces arginine, which is basic and polar, with histidine, which is basic and polar, at codon 288 of the UBA1 protein (p.Arg288His). The frequency data for this variant in the population databases is considered unreliable, as metrics indicate poor data quality at this position in the gnomAD database. This variant has not been reported in the literature in individuals affected with UBA1-related conditions. ClinVar contains an entry for this variant (Variation ID: 1025156). An algorithm developed to predict the effect of missense changes on protein structure and function (PolyPhen-2) suggests that this variant is likely to be tolerated. In summary, the available evidence is currently insufficient to determine the role of this variant in disease. Therefore, it has been classified as a Variant of Uncertain Significance.

NM_003334.4(UBA1):c.863G>A (p.Arg288His)

Gene: UBA1 (ubiquitin like modifier activating enzyme 1; plus strand). Cytogenetic location: Xp11.3.
Variant type: single nucleotide variant.
Coding change: c.863G>A on transcript NM_003334.4 (MANE Select); coding-DNA position 863, G replaced by A.
Protein change: p.Arg288His; replaces arginine 288 with histidine.
Molecular consequence: missense variant.
Genome position (GRCh38, 1-based): chrX:47,202,207, G>A. VCF-style: chrX-47202207-G-A. GRCh37 (hg19) VCF-style: chrX-47061606-G-A.
Other names: c.863G>A, p.Arg288His (NM_153280.3); short protein forms R288H.
Identifiers: ClinVar variation 1025156 (VCV001025156.11), dbSNP rs782554153, ClinGen allele CA10395778.